The following is an entry in ClinVar:

ClinVar aggregate classification (germline): Uncertain significance (1 of 4 stars; one submission).

Submission:

Labcorp Genetics (formerly Invitae), Labcorp
Classification: Uncertain significance. Last evaluated: 2022-03-01. Review status: criteria provided, single submitter. Criteria: Invitae Variant Classification Sherloc (09022015). Collection method: clinical testing. Allele origin: germline.
Comment: In summary, the available evidence is currently insufficient to determine the role of this variant in disease. Therefore, it has been classified as a Variant of Uncertain Significance. Algorithms developed to predict the effect of missense changes on protein structure and function output the following: SIFT: "Tolerated"; PolyPhen-2: "Benign"; Align-GVGD: "Class C0". The isoleucine amino acid residue is found in multiple mammalian species, which suggests that this missense change does not adversely affect protein function. This variant has not been reported in the literature in individuals affected with SLC24A1-related conditions. This variant is not present in population databases (gnomAD no frequency). This sequence change replaces threonine, which is neutral and polar, with isoleucine, which is neutral and non-polar, at codon 155 of the SLC24A1 protein (p.Thr155Ile).

NM_004727.3(SLC24A1):c.464C>T (p.Thr155Ile)

Gene: SLC24A1 (solute carrier family 24 member 1; plus strand). Cytogenetic location: 15q22.31.
Variant type: single nucleotide variant.
Coding change: c.464C>T on transcript NM_004727.3 (MANE Select); coding-DNA position 464, C replaced by T.
Protein change: p.Thr155Ile; replaces threonine 155 with isoleucine.
Molecular consequence: missense variant.
Genome position (GRCh38, 1-based): chr15:65,624,544, C>T. VCF-style: chr15-65624544-C-T. GRCh37 (hg19) VCF-style: chr15-65916882-C-T.
Other names: c.464C>T, p.Thr155Ile (NM_001301031.1, NM_001301032.1, NM_001301033.2 and 1 more transcripts); short protein forms T155I.
Identifiers: ClinVar variation 2105068 (VCV002105068.4), dbSNP rs1444234936, ClinGen allele CA392913929.